The following is an entry in ClinVar:

ClinVar aggregate classification (germline): Likely pathogenic (1 of 4 stars; one submission).

Conditions:
Pyridoxal phosphate-responsive seizures (PNPOD). Also called: Pyridoxal 5'-Phosphate (PLP)-Dependent Epilepsy; EPILEPTIC ENCEPHALOPATHY, NEONATAL, PNPO-RELATED; SEIZURES, PYRIDOXINE-RESISTANT, PLP-SENSITIVE; Pyridoxamine 5-Prime-Phosphate Oxidase Deficiency; Pyridoxine-5'-phosphate oxidase deficiency. Identifiers: Orphanet 79096, MedGen C1864723, MONDO:0012407, OMIM 610090. Disease mechanism: loss of function.

gnomAD v4.1: 3 of 1,614,202 alleles (0.00019%); highest among the groups gnomAD compares: Non-Finnish European, 0.00025%; no homozygotes.

Submission:

Women's Health and Genetics/Laboratory Corporation of America, LabCorp
Classification: Likely pathogenic for Pyridoxal phosphate-responsive seizures. Last evaluated: 2025-06-12. Review status: criteria provided, single submitter. Criteria: LabCorp Variant Classification Summary - May 2015. Collection method: clinical testing. Allele origin: germline.
Comment: Variant summary: PNPO c.637C>T (p.Pro213Ser) results in a non-conservative amino acid change in the encoded protein sequence. Algorithms developed to predict the effect of missense changes on protein structure and function all suggest that this variant is likely to be disruptive. The variant was absent in 251070 control chromosomes. c.637C>T has been observed in two homozygous siblings affected with Pyridoxal 5'-Phosphate-Dependent Epilepsy (e.g. Mills_2014, Hatch_2016). These data indicate that the variant is likely to be associated with disease. At least one publication reports experimental evidence evaluating an impact on protein function, and found the variant had reduced thermal stability and reduced capability to bind the cofactor FMN compared to the WT protein (Barile_2021). The following publications have been ascertained in the context of this evaluation (PMID: 34769443, 26303608, 24645144). No submitters have cited clinical-significance assessments for this variant to ClinVar. Based on the evidence outlined above, the variant was classified as likely pathogenic.

Literature cited by the submitters: PubMed 24645144; PubMed 34769443; PubMed 26303608.

NM_018129.4(PNPO):c.637C>T (p.Pro213Ser)

Gene: PNPO (pyridoxamine 5'-phosphate oxidase; plus strand). Cytogenetic location: 17q21.32.
Variant type: single nucleotide variant.
Coding change: c.637C>T on transcript NM_018129.4 (MANE Select); coding-DNA position 637, C replaced by T.
Protein change: p.Pro213Ser; replaces proline 213 with serine.
Molecular consequence: missense variant.
Genome position (GRCh38, 1-based): chr17:47,946,633, C>T. VCF-style: chr17-47946633-C-T. GRCh37 (hg19) VCF-style: chr17-46023999-C-T.
Other names: short protein forms P213S.
Identifiers: ClinVar variation 3907180 (VCV003907180.1), dbSNP rs2144166583.
Genomic context (GRCh38, chr17:47,946,633, plus strand): 5'-AAAACTCCACAGAGCACTGAAACCTCTGCTTCTCCTTATAGGGGTGGCTATGTCCTGTAC[C>T]CTCAGGTGATGGAGTTCTGGCAAGGTCAAACCAACCGCCTGCATGACCGGATAGTCTTTC-3'
Protein context (NP_060599.1, residues 203-223): PKSWGGYVLY[Pro213Ser]QVMEFWQGQT